The following is an entry in ClinVar:

NM_153766.3(KCNJ1):c.848A>G (p.Glu283Gly)

Gene: KCNJ1 (potassium inwardly rectifying channel subfamily J member 1; minus strand). Cytogenetic location: 11q24.3.
Variant type: single nucleotide variant.
Coding change: c.848A>G on transcript NM_153766.3 (MANE Select); coding-DNA position 848, A replaced by G.
Protein change: p.Glu283Gly; replaces glutamic acid 283 with glycine.
Molecular consequence: missense variant.
Genome position (GRCh38, 1-based): chr11:128,839,396, T>C on the plus strand (A>G on the coding strand, the complement: KCNJ1 is on the minus strand). VCF-style: chr11-128839396-T-C. GRCh37 (hg19) VCF-style: chr11-128709291-T-C.
Other names: c.905A>G, p.Glu302Gly (NM_000220.6); c.848A>G, p.Glu283Gly (NM_153764.3, NM_153767.4); c.899A>G, p.Glu300Gly (NM_153765.3); short protein forms E283G, E302G, E300G.
Identifiers: ClinVar variation 2606154 (VCV002606154.2), dbSNP rs2497567699, ClinGen allele CA383243567.

ClinVar aggregate classification (germline): Uncertain significance (1 of 4 stars; one submission).

Conditions:
Inborn genetic diseases. Identifiers: MedGen C0950123, MeSH D030342.

Submission:

Ambry Genetics
Classification: Uncertain significance for Inborn genetic diseases. Last evaluated: 2023-10-20. Review status: criteria provided, single submitter. Criteria: Ambry Variant Classification Scheme 2023. Collection method: clinical testing. Allele origin: germline.
Comment: The c.905A>G (p.E302G) alteration is located in exon 2 (coding exon 2) of the KCNJ1 gene. This alteration results from an A to G substitution at nucleotide position 905, causing the glutamic acid (E) at amino acid position 302 to be replaced by a glycine (G). This variant was not reported in population-based cohorts in the Genome Aggregation Database (gnomAD). This amino acid position is highly conserved in available vertebrate species. This alteration is predicted to be deleterious by in silico analysis. Based on insufficient or conflicting evidence, the clinical significance of this alteration remains unclear.